The following is an entry in ClinVar:

ClinVar aggregate classification (germline): Conflicting classifications of pathogenicity. Review status: criteria provided, conflicting classifications (1 of 4 stars). 4 submissions from 4 submitters: Uncertain significance (3); Likely benign (1). Last evaluated 2025-12-28.

Conditions:
Hereditary cancer-predisposing syndrome. Also called: Neoplastic Syndromes, Hereditary; Hereditary neoplastic syndrome; Hereditary Cancer Syndrome; Tumor predisposition. Identifiers: Orphanet 140162, MedGen C0027672, MeSH D009386, MONDO:0015356.
Birt-Hogg-Dube syndrome. Also called: Birt Hogg Dubé syndrome. Identifiers: Orphanet 122, MedGen C0346010, MONDO:0800444.

Allele frequency attached by ClinVar (database versions not stated): ExAC 0.00001; gnomAD 0.00001; TOPMed 0.00001.
gnomAD v4.1: 23 of 1,614,004 alleles (0.0014%); highest among the groups gnomAD compares: African/African-American, 0.0027%; no homozygotes.

Submissions (4):

Labcorp Genetics (formerly Invitae), Labcorp
Classification: Uncertain significance for Birt-Hogg-Dube syndrome. Last evaluated: 2025-12-28. Review status: criteria provided, single submitter. Criteria: Invitae Variant Classification Sherloc (09022015). Collection method: clinical testing. Allele origin: germline.
Comment: This sequence change replaces arginine, which is basic and polar, with cysteine, which is neutral and slightly polar, at codon 446 of the FLCN protein (p.Arg446Cys). This variant is present in population databases (rs200724468, gnomAD 0.007%). This variant has not been reported in the literature in individuals affected with FLCN-related conditions. ClinVar contains an entry for this variant (Variation ID: 658721). Invitae Evidence Modeling of protein sequence and biophysical properties (such as structural, functional, and spatial information, amino acid conservation, physicochemical variation, residue mobility, and thermodynamic stability) indicates that this missense variant is not expected to disrupt FLCN protein function with a negative predictive value of 80%. In summary, the available evidence is currently insufficient to determine the role of this variant in disease. Therefore, it has been classified as a Variant of Uncertain Significance.

Quest Diagnostics Nichols Institute San Juan Capistrano
Classification: Uncertain significance. Last evaluated: 2024-06-12. Review status: criteria provided, single submitter. Criteria: Quest Diagnostics criteria. Collection method: clinical testing. Allele origin: unknown.
Comment: The FLCN c.1336C>T (p.Arg446Cys) variant has not been reported in individuals with FLCN-related conditions in the published literature. The frequency of this variant in the general population, 0.000026 (3/113480 chromosomes (Genome Aggregation Database)), is uninformative in the assessment of its pathogenicity. Analysis of this variant using bioinformatics tools for the prediction of the effect of amino acid changes on protein structure and function yielded predictions that this variant is benign. Based on the available information, we are unable to determine the clinical significance of this variant.

GeneDx
Classification: Uncertain significance. Last evaluated: 2023-08-07. Review status: criteria provided, single submitter. Criteria: GeneDx Variant Classification Process June 2021. Collection method: clinical testing. Allele origin: germline. Affected: yes.
Comment: Not observed at significant frequency in large population cohorts (gnomAD); In silico analysis supports that this missense variant does not alter protein structure/function; Has not been previously published as pathogenic or benign to our knowledge; This variant is associated with the following publications: (PMID: 17028174)

Ambry Genetics
Classification: Likely benign for Hereditary cancer-predisposing syndrome. Last evaluated: 2022-06-01. Review status: criteria provided, single submitter. Criteria: Ambry Variant Classification Scheme 2023. Collection method: clinical testing. Allele origin: germline.

NM_144997.7(FLCN):c.1336C>T (p.Arg446Cys)

Gene: FLCN (folliculin; minus strand). Cytogenetic location: 17p11.2.
Variant type: single nucleotide variant.
Coding change: c.1336C>T on transcript NM_144997.7 (MANE Select); coding-DNA position 1336, C replaced by T.
Protein change: p.Arg446Cys; replaces arginine 446 with cysteine.
Molecular consequence: missense variant.
Genome position (GRCh38, 1-based): chr17:17,215,281, G>A on the plus strand (C>T on the coding strand, the complement: FLCN is on the minus strand). VCF-style: chr17-17215281-G-A. GRCh37 (hg19) VCF-style: chr17-17118595-G-A.
Other names: c.1336C>T (NM_144997.6, LRG_325t1); c.1390C>T, p.Arg464Cys (NM_001353229.2); c.1336C>T, p.Arg446Cys (NM_001353230.2, NM_001353231.2); short protein forms R446C, R464C.
Identifiers: ClinVar variation 658721 (VCV000658721.12), dbSNP rs200724468, ClinGen allele CA8416026.
Genomic context (GRCh38, chr17:17,215,281, plus strand): 5'-CAAACTCGTACTTGCTGAGAGACTGGTCATCCTCACACCCCACAGGGTGGAGGGTGGAAC[G>A]TGCGGCTGCGTGGACCTCCACGATGACAGCAAACTCTGTAACAACACAAGGCCCGTGGCT-3'
Protein context (NP_659434.2, residues 436-456): AVIVEVHAAA[Arg446Cys]STLHPVGCED